The following is an entry in ClinVar:

ClinVar aggregate classification (germline): Uncertain significance (1 of 4 stars; one submission).

gnomAD v4.1: 37 of 1,613,636 alleles (0.0023%); highest among the groups gnomAD compares: Non-Finnish European, 0.0025%; no homozygotes.

Submission:

Labcorp Genetics (formerly Invitae), Labcorp
Classification: Uncertain significance. Last evaluated: 2026-01-12. Review status: criteria provided, single submitter. Criteria: Invitae Variant Classification Sherloc (09022015). Collection method: clinical testing. Allele origin: germline.
Comment: This sequence change replaces phenylalanine, which is neutral and non-polar, with leucine, which is neutral and non-polar, at codon 30 of the ATP5A1 protein (p.Phe30Leu). This variant is present in population databases (rs367903141, gnomAD 0.01%). This variant has not been reported in the literature in individuals affected with ATP5A1-related conditions. An algorithm developed to predict the effect of missense changes on protein structure and function (PolyPhen-2) suggests that this variant is likely to be tolerated. In summary, the available evidence is currently insufficient to determine the role of this variant in disease. Therefore, it has been classified as a Variant of Uncertain Significance.

NM_004046.6(ATP5F1A):c.90C>G (p.Phe30Leu)

Gene: ATP5F1A (ATP synthase F1 subunit alpha; minus strand). Cytogenetic location: 18q21.1.
Variant type: single nucleotide variant.
Coding change: c.90C>G on transcript NM_004046.6 (MANE Select); coding-DNA position 90, C replaced by G.
Protein change: p.Phe30Leu; replaces phenylalanine 30 with leucine.
Molecular consequence: missense variant. On other transcripts: 5 prime UTR variant (2).
Genome position (GRCh38, 1-based): chr18:46,095,102, G>C on the plus strand (C>G on the coding strand, the complement: ATP5F1A is on the minus strand). VCF-style: chr18-46095102-G-C. GRCh37 (hg19) VCF-style: chr18-43675068-G-C.
Other names: c.-134C>G (NM_001001935.3); c.90C>G, p.Phe30Leu (NM_001001937.2, NM_001257334.2); c.-61C>G (NM_001257335.2); short protein forms F30L.
Identifiers: ClinVar variation 4761654 (VCV004761654.1).
Genomic context (GRCh38, chr18:46,095,102, plus strand): 5'-TAATAACTTACCAGTCTTTTGAAGATGAGTGTTAGAGGCATGGAAGTTCCTTGCAGCAAT[G>C]AAAGATGAACCCAAAGCATTTCTGGAGACCTAGTGCAAAAGTATTCTTAAAAATTTGATT-3'
Protein context (NP_004037.1, residues 20-40): LVSRNALGSS[Phe30Leu]IAARNFHASN